The following is an entry in ClinVar:

ClinVar aggregate classification (germline): Uncertain significance. Review status: criteria provided, multiple submitters, no conflicts (2 of 4 stars). 3 submissions from 3 submitters: Uncertain significance (3). Last evaluated 2024-11-13.

Conditions:
Hereditary cancer-predisposing syndrome. Also called: Hereditary neoplastic syndrome; Tumor predisposition; Hereditary Cancer Syndrome; Neoplastic Syndromes, Hereditary. Identifiers: Orphanet 140162, MedGen C0027672, MeSH D009386, MONDO:0015356.
Tuberous sclerosis 1 (TSC1). Identifiers: Orphanet 805, MedGen C1854465, MONDO:0008612, OMIM 191100.
Tuberous sclerosis syndrome (TSC). Also called: Tuberous Sclerosis Complex; Tuberous sclerosis. Identifiers: Orphanet 805, MedGen C0041341, MONDO:0001734.

Submissions (3):

Ambry Genetics
Classification: Uncertain significance for Hereditary cancer-predisposing syndrome. Last evaluated: 2024-11-13. Review status: criteria provided, single submitter. Criteria: Ambry Variant Classification Scheme 2023. Collection method: clinical testing. Allele origin: germline.
Comment: The p.T490I variant (also known as c.1469C>T), located in coding exon 13 of the TSC1 gene, results from a C to T substitution at nucleotide position 1469. The threonine at codon 490 is replaced by isoleucine, an amino acid with similar properties. This amino acid position is well conserved in available vertebrate species. In addition, the in silico prediction for this alteration is inconclusive. Based on the available evidence, the clinical significance of this variant remains unclear.

Labcorp Genetics (formerly Invitae), Labcorp
Classification: Uncertain significance for Tuberous sclerosis 1. Last evaluated: 2024-05-16. Review status: criteria provided, single submitter. Criteria: Invitae Variant Classification Sherloc (09022015). Collection method: clinical testing. Allele origin: germline.
Comment: This sequence change replaces threonine, which is neutral and polar, with isoleucine, which is neutral and non-polar, at codon 490 of the TSC1 protein (p.Thr490Ile). This variant is not present in population databases (gnomAD no frequency). This variant has not been reported in the literature in individuals affected with TSC1-related conditions. ClinVar contains an entry for this variant (Variation ID: 578575). Advanced modeling of protein sequence and biophysical properties (such as structural, functional, and spatial information, amino acid conservation, physicochemical variation, residue mobility, and thermodynamic stability) performed at Invitae indicates that this missense variant is not expected to disrupt TSC1 protein function with a negative predictive value of 95%. In summary, the available evidence is currently insufficient to determine the role of this variant in disease. Therefore, it has been classified as a Variant of Uncertain Significance.

All of Us Research Program, National Institutes of Health
Classification: Uncertain significance for Tuberous sclerosis syndrome. Last evaluated: 2023-02-24. Review status: criteria provided, single submitter. Criteria: ACMG Guidelines, 2015. Collection method: clinical testing. Allele origin: germline. Inheritance: Autosomal dominant inheritance. Observed: 1 variant allele, 1 heterozygote.
Comment: This missense variant replaces threonine with isoleucine at codon 490 of the TSC1 protein. Computational prediction is inconclusive regarding the impact of this variant on protein structure and function (internally defined REVEL score threshold 0.5 < inconclusive < 0.7, PMID: 27666373). To our knowledge, functional studies have not been reported for this variant. This variant has not been reported in individuals affected with TSC1-related disorders in the literature. This variant has not been identified in the general population by the Genome Aggregation Database (gnomAD). The available evidence is insufficient to determine the role of this variant in disease conclusively. Therefore, this variant is classified as a Variant of Uncertain Significance.

This study involves interpretation of variants in research participants for the purpose of population health screening. Participant phenotype was not available at the time of variant classification. Additional details can be found in publication PMID: 35346344, PMCID: PMC8962531

NM_000368.5(TSC1):c.1469C>T (p.Thr490Ile)

Gene: TSC1 (TSC complex subunit 1; minus strand). Cytogenetic location: 9q34.13.
Variant type: single nucleotide variant.
Coding change: c.1469C>T on transcript NM_000368.5 (MANE Select); coding-DNA position 1469, C replaced by T.
Protein change: p.Thr490Ile; replaces threonine 490 with isoleucine.
Molecular consequence: missense variant.
Genome position (GRCh38, 1-based): chr9:132,906,109, G>A on the plus strand (C>T on the coding strand, the complement: TSC1 is on the minus strand). VCF-style: chr9-132906109-G-A. GRCh37 (hg19) VCF-style: chr9-135781496-G-A.
Other names: c.1466C>T, p.Thr489Ile (NM_001162426.2); c.1316C>T, p.Thr439Ile (NM_001162427.2); c.1106C>T, p.Thr369Ile (NM_001362177.2); short protein forms T490I, T439I, T489I, T369I.
Identifiers: ClinVar variation 578575 (VCV000578575.13), dbSNP rs1564482593, ClinGen allele CA375365494.